The following is an entry in ClinVar:

NM_001130009.3(GEN1):c.2206A>G (p.Lys736Glu)

Gene: GEN1 (GEN1 Holliday junction 5' flap endonuclease; plus strand). Cytogenetic location: 2p24.2.
Variant type: single nucleotide variant.
Coding change: c.2206A>G on transcript NM_001130009.3 (MANE Select); coding-DNA position 2206, A replaced by G.
Protein change: p.Lys736Glu; replaces lysine 736 with glutamic acid.
Molecular consequence: missense variant.
Genome position (GRCh38, 1-based): chr2:17,781,418, A>G. VCF-style: chr2-17781418-A-G. GRCh37 (hg19) VCF-style: chr2-17962685-A-G.
Other names: c.2206A>G, p.Lys736Glu (NM_182625.5); short protein forms K736E.
Identifiers: ClinVar variation 3853498 (VCV003853498.1).
Genomic context (GRCh38, chr2:17,781,418, plus strand): 5'-ACATCACATCTTTCAAAGGATCTTCCAGGAATTCCCTTGCAAAATGAATCCAGAGACTCT[A>G]AAATTCTAAAAGGAGACCAGCTGCTTCAAGAAGACTATAAAGTCAATACTTCTGTCCCTT-3'
Protein context (NP_001123481.3, residues 726-746): IPLQNESRDS[Lys736Glu]ILKGDQLLQE

ClinVar aggregate classification (germline): Uncertain significance (1 of 4 stars; one submission).

Submission:

Ambry Genetics
Classification: Uncertain significance. Last evaluated: 2025-01-10. Review status: criteria provided, single submitter. Criteria: Ambry Variant Classification Scheme 2023. Collection method: clinical testing. Allele origin: germline.
Comment: The p.K736E variant (also known as c.2206A>G), located in coding exon 13 of the GEN1 gene, results from an A to G substitution at nucleotide position 2206. The lysine at codon 736 is replaced by glutamic acid, an amino acid with similar properties. This amino acid position is conserved. In addition, this alteration is predicted to be tolerated by in silico analysis. Based on the available evidence, the clinical significance of this variant remains unclear.